The following is an entry in ClinVar:

ClinVar aggregate classification (germline): Uncertain significance. Review status: criteria provided, multiple submitters, no conflicts (2 of 4 stars). 2 submissions from 2 submitters: Uncertain significance (2). Last evaluated 2025-12-11.

Conditions:
Pancreatic adenocarcinoma. Identifiers: MedGen C0281361, MONDO:0006047, HP:0006725.

Allele frequency attached by ClinVar (database versions not stated): ESP Exome Variant Server 0.00015; ExAC 0.00002; gnomAD exomes 0.00002; gnomAD 0.00003 and 0.00004; TOPMed 0.00003.
gnomAD v4.1: 11 of 1,613,990 alleles (0.00068%); highest among the groups gnomAD compares: African/African-American, 0.013%; no homozygotes.

Submissions (2):

Labcorp Genetics (formerly Invitae), Labcorp
Classification: Uncertain significance for Pancreatic adenocarcinoma. Last evaluated: 2025-12-11. Review status: criteria provided, single submitter. Criteria: Invitae Variant Classification Sherloc (09022015). Collection method: clinical testing. Allele origin: germline.
Comment: This sequence change replaces glycine, which is neutral and non-polar, with cysteine, which is neutral and slightly polar, at codon 211 of the PALLD protein (p.Gly211Cys). This variant is present in population databases (rs143417961, gnomAD 0.02%). This variant has not been reported in the literature in individuals affected with PALLD-related conditions. ClinVar contains an entry for this variant (Variation ID: 216537). An algorithm developed to predict the effect of missense changes on protein structure and function (PolyPhen-2) suggests that this variant is likely to be disruptive. In summary, the available evidence is currently insufficient to determine the role of this variant in disease. Therefore, it has been classified as a Variant of Uncertain Significance.

Ambry Genetics
Classification: Uncertain significance. Last evaluated: 2024-12-20. Review status: criteria provided, single submitter. Criteria: Ambry Variant Classification Scheme 2023. Collection method: clinical testing. Allele origin: germline.
Comment: The p.G211C variant (also known as c.631G>T), located in coding exon 2 of the PALLD gene, results from a G to T substitution at nucleotide position 631. The glycine at codon 211 is replaced by cysteine, an amino acid with highly dissimilar properties. This amino acid position is conserved. In addition, this alteration is predicted to be deleterious by in silico analysis. Based on the available evidence, the clinical significance of this variant remains unclear.

NM_001166108.2(PALLD):c.2092G>T (p.Gly698Cys)

Gene: PALLD (palladin, cytoskeletal associated protein; plus strand). Cytogenetic location: 4q32.3.
Variant type: single nucleotide variant.
Coding change: c.2092G>T on transcript NM_001166108.2 (MANE Select); coding-DNA position 2092, G replaced by T.
Protein change: p.Gly698Cys; replaces glycine 698 with cysteine.
Molecular consequence: missense variant. On other transcripts: 5 prime UTR variant (4).
Genome position (GRCh38, 1-based): chr4:168,891,049, G>T. VCF-style: chr4-168891049-G-T. GRCh37 (hg19) VCF-style: chr4-169812200-G-T.
Other names: c.946G>T, p.Gly316Cys (NM_001166109.2); c.631G>T, p.Gly211Cys (NM_001166110.2); c.-30G>T (NM_001367567.1, NM_001367568.1, NM_001367569.1 and 1 more transcripts); c.2092G>T, p.Gly698Cys (NM_016081.4); short protein forms G211C, G698C, G316C.
Identifiers: ClinVar variation 216537 (VCV000216537.7), dbSNP rs143417961, ClinGen allele CA338982.
Genomic context (GRCh38, chr4:168,891,049, plus strand): 5'-GATGCTGTTATTCAAGACCTGGAACGAAAACTTCGCTTCAAGGAGGACCTCCTGAACAAT[G>T]GCCAGCCGGTACTGATAGATTTGGGACCTGGACTTGGAATGTTAGCTACCCACATACCTT-3'
Protein context (NP_001159580.1, residues 688-708): LRFKEDLLNN[Gly698Cys]QPRLTYEERM